The following is an entry in ClinVar:

NM_001987.5(ETV6):c.164-4A>G

Genes: ETV6 (ETS variant transcription factor 6; plus strand), LOC126861451 (BRD4-independent group 4 enhancer GRCh37_chr12:11991350-11992549; plus strand). Cytogenetic location: 12p13.2.
Variant type: single nucleotide variant.
Coding change: c.164-4A>G on transcript NM_001987.5 (MANE Select); 4 bases into the intron before coding-DNA position 164, A replaced by G.
Molecular consequence: intron variant.
Genome position (GRCh38, 1-based): chr12:11,839,136, A>G. VCF-style: chr12-11839136-A-G. GRCh37 (hg19) VCF-style: chr12-11992070-A-G.
Other names: c.137-4A>G (NM_001413914.1); c.164-4A>G (NM_001413917.1, NM_001413916.1, NM_001413918.1); c.161-4A>G (NM_001413913.1); c.-101-4A>G (NM_001413915.1).
Identifiers: ClinVar variation 3510615 (VCV003510615.1).

ClinVar aggregate classification (germline): Uncertain significance (1 of 4 stars; one submission).

Conditions:
Inborn genetic diseases. Identifiers: MedGen C0950123, MeSH D030342.

gnomAD v4.1: 6 of 1,613,354 alleles (0.00037%); highest among the groups gnomAD compares: African/African-American, 0.004%; no homozygotes.

Submission:

Ambry Genetics
Classification: Uncertain significance for Inborn genetic diseases. Last evaluated: 2024-10-18. Review status: criteria provided, single submitter. Criteria: Ambry Variant Classification Scheme 2023. Collection method: clinical testing. Allele origin: germline.
Comment: The c.164-4A>G intronic variant results from an A to G substitution 4 nucleotides upstream from coding exon 3 in the ETV6 gene. This nucleotide position is highly conserved in available vertebrate species. In silico splice site analysis predicts that this alteration will result in the creation or strengthening of a novel splice acceptor site. RNA studies have demonstrated that this alteration results in a transcript predicted to lead to a protein with an in-frame deletion of 1 amino acid and insertion of 2 other amino acids; however, the exact functional impact of this in-frame indel is unknown at this time (Ambry internal data). Based on the available evidence, the clinical significance of this variant remains unclear.